The following is an entry in ClinVar:

NM_006258.4(PRKG1):c.1008T>C (p.Phe336=)

Gene: PRKG1 (protein kinase cGMP-dependent 1; plus strand). Cytogenetic location: 10q21.1.
Variant type: single nucleotide variant.
Coding change: c.1008T>C on transcript NM_006258.4 (MANE Select); coding-DNA position 1008, T replaced by C.
Protein change: p.Phe336=; no amino-acid change (phenylalanine 336 retained).
Molecular consequence: synonymous variant.
Genome position (GRCh38, 1-based): chr10:52,161,895, T>C. VCF-style: chr10-52161895-T-C. GRCh37 (hg19) VCF-style: chr10-53921655-T-C.
Other names: p.Phe336=; c.1008T>C, p.Phe336= (LRG_1135t1); c.963T>C, p.Phe321= (LRG_1135t2, NM_001098512.3).
Identifiers: ClinVar variation 263888 (VCV000263888.20), dbSNP rs56047641, ClinGen allele CA5503731.

ClinVar aggregate classification (germline): Benign. Review status: criteria provided, multiple submitters, no conflicts (2 of 4 stars). 8 submissions from 8 submitters: Benign (8). Last evaluated 2026-02-04.

Conditions:
Aortic aneurysm, familial thoracic 8 (AAT8). Identifiers: MedGen C3809513, MONDO:0014187, OMIM 615436.
Familial thoracic aortic aneurysm and aortic dissection (TAAD). Also called: Thoracic aortic aneurysms and dissections. Identifiers: Orphanet 91387, MedGen C4707243, MONDO:0019625.

Allele frequency attached by ClinVar (database versions not stated): gnomAD 0.05131 and 0.04937; ExAC 0.02418; gnomAD exomes 0.02024 and 0.00784; TOPMed 0.05629; ESP Exome Variant Server 0.05636; 1000 Genomes Project 0.07129; 1000 Genomes Project 30x 0.07370.
gnomAD v4.1: 19,421 of 1,612,610 alleles (1.2%); highest among the groups gnomAD compares: African/African-American, 16%; 1,135 homozygotes.

Submissions (8):

Labcorp Genetics (formerly Invitae), Labcorp
Classification: Benign for Aortic aneurysm, familial thoracic 8. Last evaluated: 2026-02-04. Review status: criteria provided, single submitter. Criteria: Invitae Variant Classification Sherloc (09022015). Collection method: clinical testing. Allele origin: germline.

Molecular Diagnostic Laboratory for Inherited Cardiovascular Disease, Montreal Heart Institute
Classification: Benign. Last evaluated: 2025-04-09. Review status: criteria provided, single submitter. Criteria: ACMG Guidelines, 2015. Collection method: clinical testing. Allele origin: germline. Affected: no.

Women's Health and Genetics/Laboratory Corporation of America, LabCorp
Classification: Benign. Last evaluated: 2023-04-09. Review status: criteria provided, single submitter. Criteria: LabCorp Variant Classification Summary - May 2015. Collection method: clinical testing. Allele origin: germline.

CHEO Genetics Diagnostic Laboratory, Children's Hospital of Eastern Ontario
Classification: Benign for Familial thoracic aortic aneurysm and aortic dissection. Last evaluated: 2022-12-01. Review status: criteria provided, single submitter. Criteria: ACMG Guidelines, 2015. Collection method: clinical testing. Allele origin: germline.

Mayo Clinic Laboratories, Mayo Clinic
Classification: Benign. Last evaluated: 2018-02-21. Review status: criteria provided, single submitter. Criteria: ACMG Guidelines, 2015. Collection method: clinical testing. Allele origin: germline. Observed: 46 variant alleles.

GeneDx
Classification: Benign. Last evaluated: 2016-10-20. Review status: criteria provided, single submitter. Criteria: GeneDx Variant Classification (06012015). Collection method: clinical testing. Allele origin: germline. Affected: yes.
Comment: This variant is considered likely benign or benign based on one or more of the following criteria: it is a conservative change, it occurs at a poorly conserved position in the protein, it is predicted to be benign by multiple in silico algorithms, and/or has population frequency not consistent with disease.

Ambry Genetics
Classification: Benign for Familial thoracic aortic aneurysm and aortic dissection. Last evaluated: 2015-02-03. Review status: criteria provided, single submitter. Criteria: Ambry Variant Classification Scheme 2023. Collection method: clinical testing. Allele origin: germline.

Breakthrough Genomics
Classification: Benign. Review status: criteria provided, single submitter. Criteria: ACMG Guidelines, 2015. Collection method: not provided. Allele origin: germline. Inheritance: Autosomal dominant inheritance. Affected: yes.